The following is an entry in ClinVar:

NM_001429.4(EP300):c.2060C>T (p.Pro687Leu)

Gene: EP300 (EP300 lysine acetyltransferase; plus strand). Cytogenetic location: 22q13.2.
Variant type: single nucleotide variant.
Coding change: c.2060C>T on transcript NM_001429.4 (MANE Select); coding-DNA position 2060, C replaced by T.
Protein change: p.Pro687Leu; replaces proline 687 with leucine.
Molecular consequence: missense variant. On other transcripts: intron variant (1).
Genome position (GRCh38, 1-based): chr22:41,146,745, C>T. VCF-style: chr22-41146745-C-T. GRCh37 (hg19) VCF-style: chr22-41542749-C-T.
Other names: c.2054-1092C>T (NM_001362843.2); short protein forms P687L.
Identifiers: ClinVar variation 3390694 (VCV003390694.2).

ClinVar aggregate classification (germline): Uncertain significance (1 of 4 stars; one submission).

gnomAD v4.1: 1 of 1,614,002 alleles (0.000062%); highest among the groups gnomAD compares: Non-Finnish European, 0.000085%; no homozygotes.

Submission:

GeneDx
Classification: Uncertain significance. Last evaluated: 2025-08-03. Review status: criteria provided, single submitter. Criteria: GeneDx Variant Classification Process June 2021. Collection method: clinical testing. Allele origin: germline.
Comment: Has not been previously published as pathogenic or benign to our knowledge; Not observed at significant frequency in large population cohorts (gnomAD); In silico analysis supports that this missense variant has a deleterious effect on protein structure/function